The following is an entry in ClinVar:

ClinVar aggregate classification (germline): Uncertain significance (1 of 4 stars; one submission).

Allele frequency attached by ClinVar (database versions not stated): gnomAD exomes below 0.00001.
gnomAD v4.1: 3 of 1,614,046 alleles (0.00019%); highest among the groups gnomAD compares: Non-Finnish European, 0.00025%; no homozygotes.

Submission:

Ambry Genetics
Classification: Uncertain significance. Last evaluated: 2025-05-24. Review status: criteria provided, single submitter. Criteria: Ambry Variant Classification Scheme 2023. Collection method: clinical testing. Allele origin: germline.
Comment: The p.I470V variant (also known as c.1408A>G), located in coding exon 14 of the KIF1B gene, results from an A to G substitution at nucleotide position 1408. The isoleucine at codon 470 is replaced by valine, an amino acid with highly similar properties. This amino acid position is well conserved in available vertebrate species. In addition, this alteration is predicted to be tolerated by in silico analysis. Since supporting evidence is limited at this time, the clinical significance of this alteration remains unclear.

NM_001365951.3(KIF1B):c.1546A>G (p.Ile516Val)

Gene: KIF1B (kinesin family member 1B; plus strand). Cytogenetic location: 1p36.22.
Variant type: single nucleotide variant.
Coding change: c.1546A>G on transcript NM_001365951.3 (MANE Select); coding-DNA position 1546, A replaced by G.
Protein change: p.Ile516Val; replaces isoleucine 516 with valine.
Molecular consequence: missense variant.
Genome position (GRCh38, 1-based): chr1:10,292,078, A>G. VCF-style: chr1-10292078-A-G. GRCh37 (hg19) VCF-style: chr1-10352136-A-G.
Other names: c.1546A>G, p.Ile516Val (NM_001365952.1); c.1408A>G, p.Ile470Val (NM_001365953.1, NM_015074.3, NM_183416.4); short protein forms I470V, I516V.
Identifiers: ClinVar variation 1771945 (VCV001771945.3), dbSNP rs2521358161, ClinGen allele CA338313468.